The following is an entry in ClinVar:

ClinVar aggregate classification (germline): Conflicting classifications of pathogenicity. Review status: criteria provided, conflicting classifications (1 of 4 stars). 3 submissions from 3 submitters: Uncertain significance (2); Likely benign (1). Last evaluated 2025-03-11.

Conditions:
Hereditary cancer-predisposing syndrome. Also called: Tumor predisposition; Neoplastic Syndromes, Hereditary; Hereditary Cancer Syndrome; Hereditary neoplastic syndrome. Identifiers: Orphanet 140162, MedGen C0027672, MeSH D009386, MONDO:0015356.
Tuberous sclerosis syndrome (TSC). Also called: Tuberous Sclerosis Complex; Tuberous sclerosis. Identifiers: Orphanet 805, MedGen C0041341, MONDO:0001734.
Tuberous sclerosis 2 (TSC2). Identifiers: Orphanet 805, MedGen C1860707, MONDO:0013199, OMIM 613254.

gnomAD v4.1: 3 of 1,550,412 alleles (0.00019%); highest among the groups gnomAD compares: Non-Finnish European, 0.00026%; no homozygotes.

Submissions (3):

Labcorp Genetics (formerly Invitae), Labcorp
Classification: Uncertain significance for Tuberous sclerosis 2. Last evaluated: 2025-03-11. Review status: criteria provided, single submitter. Criteria: Invitae Variant Classification Sherloc (09022015). Collection method: clinical testing. Allele origin: germline.
Comment: This sequence change affects codon 454 of the TSC2 mRNA. It is a 'silent' change, meaning that it does not change the encoded amino acid sequence of the TSC2 protein. It affects a nucleotide within the consensus splice site. This variant is not present in population databases (gnomAD no frequency). This variant has not been reported in the literature in individuals affected with TSC2-related conditions. ClinVar contains an entry for this variant (Variation ID: 1770866). Algorithms developed to predict the effect of sequence changes on RNA splicing suggest that this variant may disrupt the consensus splice site. In summary, the available evidence is currently insufficient to determine the role of this variant in disease. Therefore, it has been classified as a Variant of Uncertain Significance.

Ambry Genetics
Classification: Likely benign for Hereditary cancer-predisposing syndrome. Last evaluated: 2024-12-05. Review status: criteria provided, single submitter. Criteria: Ambry Variant Classification Scheme 2023. Collection method: clinical testing. Allele origin: germline.

All of Us Research Program, National Institutes of Health
Classification: Uncertain significance for Tuberous sclerosis syndrome. Last evaluated: 2023-04-03. Review status: criteria provided, single submitter. Criteria: ACMG Guidelines, 2015. Collection method: clinical testing. Allele origin: germline. Inheritance: Autosomal dominant inheritance. Observed: 1 variant allele, 1 heterozygote.
Comment: This is a synonymous variant is located at the first nucleotide of exon 14 in the TSC2 gene. To our knowledge, RNA studies have not been reported for this variant. This variant has not been reported in individuals affected with TSC2-related disorders in the literature. This variant has been identified in 1/155160 chromosomes in the general population by the Genome Aggregation Database (gnomAD). The available evidence is insufficient to determine the role of this variant in disease conclusively. Therefore, this variant is classified as a Variant of Uncertain Significance.

This study involves interpretation of variants in research participants for the purpose of population health screening. Participant phenotype was not available at the time of variant classification. Additional details can be found in publication PMID: 35346344, PMCID: PMC8962531

NM_000548.5(TSC2):c.1362G>A (p.Arg454=)

Gene: TSC2 (TSC complex subunit 2; plus strand). Cytogenetic location: 16p13.3.
Variant type: single nucleotide variant.
Coding change: c.1362G>A on transcript NM_000548.5 (MANE Select); coding-DNA position 1362, G replaced by A.
Protein change: p.Arg454=; no amino-acid change (arginine 454 retained).
Molecular consequence: synonymous variant. On other transcripts: non-coding transcript variant (5), intron variant (1).
Genome position (GRCh38, 1-based): chr16:2,062,972, G>A. VCF-style: chr16-2062972-G-A. GRCh37 (hg19) VCF-style: chr16-2112973-G-A.
Other names: c.1362G>A, p.Arg454= (NM_001077183.3, NM_001114382.3, NM_001363528.2 and 6 more transcripts); c.1251G>A, p.Arg417= (NM_001318827.2, NM_001406670.1, NM_001406678.1); c.1215G>A, p.Arg405= (NM_001318829.2, NM_001406675.1, NM_001406676.1 and 1 more transcripts); c.762G>A, p.Arg254= (NM_001318831.2, NM_001406680.1, NM_001406682.1 and 6 more transcripts); c.1395G>A, p.Arg465= (NM_001318832.2); c.1452G>A, p.Arg484= (NM_001406667.1, NM_001406668.1); c.1350G>A, p.Arg450= (NM_001406671.1, NM_001406673.1); c.1305G>A, p.Arg435= (NM_001406677.1); and 3 more.
Identifiers: ClinVar variation 1770866 (VCV001770866.7), dbSNP rs374252944, ClinGen allele CA492962529.